The following is an entry in ClinVar:

ClinVar aggregate classification (germline): Pathogenic/Likely pathogenic. Review status: criteria provided, multiple submitters, no conflicts (2 of 4 stars). 50 submissions from 49 submitters: Pathogenic (36); Likely pathogenic (3). 11 of the submissions do not count toward it. Last evaluated 2026-08-06.

Conditions:
Charcot-Marie-Tooth disease. Also called: Charcot-Marie-Tooth Neuropathy; Charcot-Marie-Tooth Hereditary Neuropathy. Identifiers: Orphanet 166, MedGen C0007959, MONDO:0015626.
SH3TC2-related disorder. Also called: SH3TC2-related disorders; SH3TC2-related condition. Identifiers: MedGen CN239303.
Charcot-Marie-Tooth disease type 4C (CMT4C). Also called: CHARCOT-MARIE-TOOTH DISEASE, DEMYELINATING, TYPE 4C; CHARCOT-MARIE-TOOTH DISEASE, DEMYELINATING, AUTOSOMAL RECESSIVE, TYPE 4C; Charcot-Marie-Tooth Neuropathy Type 4C (CMT4C); CMT 4C; SH3TC2-Related Hereditary Motor and Sensory Neuropathy. Identifiers: Orphanet 99949, MedGen C1866636, MONDO:0011113, OMIM 601596.
Susceptibility to mononeuropathy of the median nerve, mild. Also called: CARPAL TUNNEL SYNDROME, SUSCEPTIBILITY TO. Identifiers: MedGen C3150596, MONDO:0013237, OMIM 613353.
Inborn genetic diseases. Identifiers: MedGen C0950123, MeSH D030342.
Charcot-Marie-Tooth disease type 4. Also called: Charcot-Marie-Tooth, Type 4; Charcot-Marie-Tooth disease, type IV. Identifiers: Orphanet 64749, MedGen C4082197, MONDO:0018995.
Tip-toe gait. Also called: Toe walking. Identifiers: MedGen C0427144, HP:0030051.

Allele frequency attached by ClinVar (database versions not stated): TOPMed 0.00060; ExAC 0.00088; gnomAD 0.00067 and 0.00065; gnomAD exomes 0.00075 and 0.00109.
gnomAD v4.1: 1,683 of 1,614,014 alleles (0.1%); highest among the groups gnomAD compares: Non-Finnish European, 0.13%; 1 homozygote.

Submissions 1 to 13 of 50:

OLLIN Analises Genomicas, OLLIN
Classification: Pathogenic for Susceptibility to mononeuropathy of the median nerve, mild. Last evaluated: 2026-08-06. Review status: criteria provided, single submitter. Criteria: ACMG Guidelines 2015 PMID 25741868. Collection method: clinical testing. Allele origin: germline.
Comment: This nonsense variant, located in exon 11 (of 17), has been reported in ClinVar (accession VCV000002482.114), in gnomAD with an allele frequency of 0.104%, and in the scientific literature, segregating with the phenotype and in compound heterozygosity, in individuals with SH3TC2 related disorders (PMID: 31346473, 30653784, 27231023, 25737037, 25326637, 25025039, 23806086). This variant introduces a premature stop codon, which is predicted to result in either a truncated protein or degradation of the mRNA via nonsense-mediated decay (NMD). According to the currently available evidence, this variant has been classified as pathogenic (PVS1, PM2_P, PM3_VS, PP1).

PreventionGenetics, part of Exact Sciences
Classification: Pathogenic for SH3TC2-related condition. Last evaluated: 2026-06-08. Review status: criteria provided, single submitter. Criteria: ACMG Guidelines, 2015. Collection method: clinical testing. Allele origin: germline.
Comment: The SH3TC2 c.2860C>T variant is predicted to result in premature protein termination (p.Arg954*). This variant has been reported in the compound heterozygous and homozygous state to be causative for Charcot-Marie-Tooth disease (Baets et al. 2011. PubMed ID: 21840889; Høyer et al. 2014. PubMed ID: 25025039; Lupski et al. 2010. PubMed ID: 20220177). Although individuals heterozygous for the c.2860C>T (p.Arg954*) variant did not have Charcot-Marie-Tooth disease, they were reported to be at increased risk for developing neuropathy including carpal tunnel syndrome (Lupski et al. 2010. PubMed ID: 20220177). This variant is reported in 0.12% of alleles in individuals of European (Non-Finnish) descent in gnomAD. Nonsense variants in SH3TC2 are expected to be pathogenic. This variant is interpreted as pathogenic.

CeGaT Center for Human Genetics Tuebingen
Classification: Pathogenic. Last evaluated: 2026-03-01. Review status: criteria provided, single submitter. Criteria: CeGaT Center For Human Genetics Tuebingen Variant Classification Criteria Version 2. Collection method: clinical testing. Allele origin: germline. Affected: yes. Observed: 16 variant alleles.
Comment: SH3TC2: PM3:Very Strong, PVS1, PM2

Labcorp Genetics (formerly Invitae), Labcorp
Classification: Pathogenic for Charcot-Marie-Tooth disease type 4. Last evaluated: 2026-02-02. Review status: criteria provided, single submitter. Criteria: Invitae Variant Classification Sherloc (09022015). Collection method: clinical testing. Allele origin: germline.
Comment: This sequence change creates a premature translational stop signal (p.Arg954*) in the SH3TC2 gene. It is expected to result in an absent or disrupted protein product. Loss-of-function variants in SH3TC2 are known to be pathogenic (PMID: 20220177, 27068304). This variant is present in population databases (rs80338933, gnomAD 0.1%), and has an allele count higher than expected for a pathogenic variant. This premature translational stop signal has been observed in individual(s) with Charcot-Marie-Tooth disease (PMID: 14574644, 16924012, 18511281, 19272779). It is commonly reported in individuals of French-Canadian ancestry (PMID: 18511281). ClinVar contains an entry for this variant (Variation ID: 2482). Algorithms developed to predict the effect of sequence changes on RNA splicing suggest that this variant may disrupt the consensus splice site. For these reasons, this variant has been classified as Pathogenic.

Undiagnosed Diseases Network, NIH
Classification: Likely pathogenic for Charcot-Marie-Tooth disease type 4C. Last evaluated: 2025-12-15. Review status: criteria provided, single submitter. Criteria: ACMG Guidelines, 2015. Collection method: clinical testing. Allele origin: paternal. Inheritance: Autosomal recessive inheritance. Affected: yes. Observed: 2 variant alleles, 2 heterozygotes. Clinical features observed: Astigmatism (HP:0000483), Delayed speech and language development (HP:0000750), Acrocyanosis (HP:0001063), Generalized hypotonia (HP:0001290), Muscle weakness (HP:0001324), Scoliosis (HP:0002650), Thoracolumbar scoliosis (HP:0002944), Myopathy (HP:0003198), Progressive muscle weakness (HP:0003323), Gowers sign (HP:0003391), EMG abnormality (HP:0003457), Weakness of facial musculature (HP:0030319). Study: Undiagnosed Diseases Network (NIH), UDN.

Institute of Human Genetics, Heidelberg University
Classification: Pathogenic for Charcot-Marie-Tooth disease type 4C. Last evaluated: 2025-10-23. Review status: criteria provided, single submitter. Criteria: ACMG Guidelines, 2015. Collection method: clinical testing. Allele origin: maternal. Affected: yes. Observed: 2 variant alleles.
Comment: PM2_supp, PVS1_vs, PP1_supp, PP4_supp

First Genomix Gene Laboratory, Genetic Diagnostics Department
Classification: Pathogenic for Charcot-Marie-Tooth disease type 4C. Last evaluated: 2025-05-28. Review status: criteria provided, single submitter. Criteria: ACMG Guidelines, 2015. Collection method: clinical testing. Allele origin: germline. Inheritance: Autosomal recessive inheritance. Affected: no. Observed: 1 variant allele.

Revvity Omics, Revvity
Classification: Pathogenic. Last evaluated: 2025-03-28. Review status: criteria provided, single submitter. Criteria: ACMG Guidelines, 2015. Collection method: clinical testing. Allele origin: germline.

Variantyx, Inc.
Classification: Pathogenic for Charcot-Marie-Tooth disease type 4C. Last evaluated: 2025-03-19. Review status: criteria provided, single submitter. Criteria: Variantyx Assertion Criteria 2022. Collection method: clinical testing. Allele origin: germline.
Comment: This is a nonsense variant in the SH3TC2 gene (OMIM: 608206). Pathogenic variants in this gene have been associated with autosomal recessive Charcot-Marie-Tooth disease, type 4C. This variant introduces a premature termination codon in exon 11 out of 17. It is expected to result in loss of function, which is a known disease mechanism for SH3TC2 in this disorder (PMID: 20220177, 31345219) (PVS1). This variant has been identified in the homozygous or compound heterozygous state in at least 10 individual(s) from the published literature (PMID: 14574644, 21291453, 21840889, 25025039, 27549087, 28726809, 30653784, 31346473, 33643188, 33996186) (PM3_Very_Strong). This variant has been observed to segregate with disease in at least 3 individuals from 2 families (PMID: 20220177) (PP1_Moderate). This variant has a 0.1294% maximum allele frequency in non-founder control populations. Based on the current evidence, this variant is classified as pathogenic for autosomal recessive Charcot-Marie-Tooth disease, type 4C.

Athena Diagnostics
Classification: Pathogenic. Last evaluated: 2025-02-13. Review status: criteria provided, single submitter. Criteria: Athena Diagnostics Criteria. Collection method: clinical testing. Allele origin: unknown.
Comment: This variant is expected to result in the loss of a functional protein. The frequency of this variant in the general population is consistent with pathogenicity. This variant has been identified in multiple unrelated individuals with clinical features associated with Charcot-Marie-Tooth disease.

Blueprint Genetics
Classification: Pathogenic for SH3TC2-related disorders. Last evaluated: 2024-10-08. Review status: criteria provided, single submitter. Criteria: ACMG Guidelines, 2015. Collection method: clinical testing. Allele origin: germline. Affected: yes. Observed: 5 variant alleles.

Fulgent Genetics
Classification: Pathogenic for Charcot-Marie-Tooth disease type 4C; Susceptibility to mononeuropathy of the median nerve, mild. Last evaluated: 2024-02-28. Review status: criteria provided, single submitter. Criteria: ACMG Guidelines, 2015. Collection method: clinical testing. Allele origin: germline.

Institute of Human Genetics, University of Leipzig Medical Center
Classification: Pathogenic for Charcot-Marie-Tooth disease type 4C. Last evaluated: 2023-10-25. Review status: criteria provided, single submitter. Criteria: ACMG Guidelines, 2015. Collection method: clinical testing. Allele origin: unknown. Inheritance: Autosomal recessive inheritance. Affected: yes.
Comment: Criteria applied: PVS1,PS4_MOD,PM3_SUP

NM_024577.4(SH3TC2):c.2860C>T (p.Arg954Ter)

Gene: SH3TC2 (SH3 domain and tetratricopeptide repeats 2; minus strand). Cytogenetic location: 5q32.
Variant type: single nucleotide variant.
Coding change: c.2860C>T on transcript NM_024577.4 (MANE Select); coding-DNA position 2860, C replaced by T.
Protein change: p.Arg954Ter; replaces arginine 954 with a stop codon.
Molecular consequence: nonsense.
Genome position (GRCh38, 1-based): chr5:149,026,872, G>A on the plus strand (C>T on the coding strand, the complement: SH3TC2 is on the minus strand). VCF-style: chr5-149026872-G-A. GRCh37 (hg19) VCF-style: chr5-148406435-G-A.
Other names: p.Arg954Ter; p.(Arg954Ter); short protein forms R954*.
Identifiers: ClinVar variation 2482 (VCV000002482.119), dbSNP rs80338933, ClinGen allele CA115573.
Genomic context (GRCh38, chr5:149,026,872, plus strand): 5'-ATCCAACACTTTTCTCTATAGCTTCCCAGCAGCATGGGACATACTTACTCTTTAGATGTC[G>A]ATGCCTTAAGCCAAACAGCAATGCCATTTCATAACAAAGAAGGCCATGGGTCAGCTGGTG-3'